The following is an entry in ClinVar:

ClinVar aggregate classification (germline): Pathogenic. Review status: criteria provided, multiple submitters, no conflicts (2 of 4 stars). 2 submissions from 2 submitters: Pathogenic (2). Last evaluated 2024-01-24.

Conditions:
Hereditary breast ovarian cancer syndrome. Also called: Hereditary breast and ovarian cancer; Hereditary breast and ovarian cancer syndrome (HBOC); Breast and ovarian cancer; Hereditary breast and/or ovarian cancer syndrome; BRCA1- and BRCA2-Associated Hereditary Breast and Ovarian Cancer; Hereditary breast and ovarian cancer syndrome. Identifiers: Orphanet 145, MedGen C0677776, MeSH D061325, MONDO:0003582. Disease mechanism: loss of function.
Breast-ovarian cancer, familial, susceptibility to, 1 (BROVCA1). Also called: BRCA1 Hereditary Breast and Ovarian Cancer; OVARIAN CANCER, SUSCEPTIBILITY TO. Identifiers: Orphanet 145, MedGen C2676676, MONDO:0011450, OMIM 604370. Disease mechanism: loss of function.

Submissions (3):

Myriad Genetics, Inc.
Classification: Pathogenic for Breast-ovarian cancer, familial, susceptibility to, 1. Last evaluated: 2024-01-24. Review status: criteria provided, single submitter. Criteria: Myriad Autosomal Dominant, Autosomal Recessive and X-Linked Classification Criteria (2023). Collection method: clinical testing. Allele origin: unknown.
Comment: This variant is considered pathogenic. This variant creates a termination codon and is predicted to result in premature protein truncation.

Labcorp Genetics (formerly Invitae), Labcorp
Classification: Pathogenic for Hereditary breast ovarian cancer syndrome. Last evaluated: 2022-05-18. Review status: criteria provided, single submitter. Criteria: Invitae Variant Classification Sherloc (09022015). Collection method: clinical testing. Allele origin: germline.
Comment: For these reasons, this variant has been classified as Pathogenic. ClinVar contains an entry for this variant (Variation ID: 867737). This sequence change creates a premature translational stop signal (p.Leu22*) in the BRCA1 gene. It is expected to result in an absent or disrupted protein product. Loss-of-function variants in BRCA1 are known to be pathogenic (PMID: 20104584). This variant is not present in population databases (gnomAD no frequency). This variant has not been reported in the literature in individuals affected with BRCA1-related conditions.

Brotman Baty Institute, University of Washington
No classification provided (evidence only). Condition: Breast-ovarian cancer, familial 1. Review status: no classification provided. Collection method: in vitro. Allele origin: not applicable. Functional consequence: functionally_abnormal. Not counted in ClinVar's aggregate classification.
ClinVar note: "not provided" was previously submitted as the classification for the variant. However, the classification appeared to be based only on an observation of functional data so it was converted to no classification on 2025-07-30.

Literature cited by the submitters: PubMed 20104584 (cited by Labcorp Genetics (formerly Invitae), Labcorp).

NM_007294.4(BRCA1):c.65T>G (p.Leu22Ter)

Gene: BRCA1 (BRCA1 DNA repair associated; minus strand). Cytogenetic location: 17q21.31.
Variant type: single nucleotide variant.
Coding change: c.65T>G on transcript NM_007294.4 (MANE Select); coding-DNA position 65, T replaced by G.
Protein change: p.Leu22Ter; replaces leucine 22 with a stop codon.
Molecular consequence: nonsense. On other transcripts: 5 prime UTR variant (1), non-coding transcript variant (1).
Genome position (GRCh38, 1-based): chr17:43,124,032, A>C on the plus strand (T>G on the coding strand, the complement: BRCA1 is on the minus strand). VCF-style: chr17-43124032-A-C. GRCh37 (hg19) VCF-style: chr17-41276049-A-C.
Other names: c.-124T>G (NM_001407571.1, NM_001407853.1, NM_001407879.1 and 46 more transcripts); c.65T>G, p.Leu22Ter (NM_001407581.1, NM_001407582.1, NM_001407583.1 and 193 more transcripts); c.-193T>G (NM_001407694.1, NM_001407724.1, NM_001407727.1 and 11 more transcripts); c.-197T>G (NM_001407695.1, NM_001408465.1); c.-338T>G (NM_001407696.1); c.-222T>G (NM_001407697.1, NM_001407846.1, NM_001407920.1); c.-23T>G (NM_001407698.1, NM_001407732.1, NM_001407736.1 and 23 more transcripts); c.-196T>G (NM_001407725.1, NM_001407730.1, NM_001407734.1 and 22 more transcripts); and 8 more; short protein forms L22*.
Identifiers: ClinVar variation 867737 (VCV000867737.9), dbSNP rs80357438, ClinGen allele CA10602026.